The following is an entry in ClinVar:

NM_004979.6(KCND1):c.1733A>G (p.Asn578Ser)

Gene: KCND1 (potassium voltage-gated channel subfamily D member 1; minus strand). Cytogenetic location: Xp11.23.
Variant type: single nucleotide variant.
Coding change: c.1733A>G on transcript NM_004979.6 (MANE Select); coding-DNA position 1733, A replaced by G.
Protein change: p.Asn578Ser; replaces asparagine 578 with serine.
Molecular consequence: missense variant.
Genome position (GRCh38, 1-based): chrX:48,962,792, T>C on the plus strand (A>G on the coding strand, the complement: KCND1 is on the minus strand). VCF-style: chrX-48962792-T-C. GRCh37 (hg19) VCF-style: chrX-48820053-T-C.
Other names: short protein forms N578S.
Identifiers: ClinVar variation 5010065 (VCV005010065.1).
Genomic context (GRCh38, chrX:48,962,792, plus strand): 5'-ATGGCAGCCACGAAGTCCCGGCTGTCGCAGTTCAGGTCAAGGCTGTCATGGGGCTTGGCA[T>C]TGAGGCTGGAACGGCTGTGGACAAGGGTGGAGAAGATGGAAGGCTCTTAAAAAGTTATCT-3'
Protein context (NP_004970.3, residues 568-588): SHAPQSRSSL[Asn578Ser]AKPHDSLDLN

ClinVar aggregate classification (germline): Uncertain significance (1 of 4 stars; one submission).

Submission:

GeneDx
Classification: Uncertain significance. Last evaluated: 2026-02-24. Review status: criteria provided, single submitter. Criteria: GeneDx Variant Classification Process June 2021. Collection method: clinical testing. Allele origin: germline.
Comment: In silico analysis supports that this missense variant has a deleterious effect on protein structure/function; Has not been previously published as pathogenic or benign to our knowledge